The following is an entry in ClinVar:

ClinVar aggregate classification (germline): Likely pathogenic (1 of 4 stars; one submission).

Conditions:
Clubfoot. Also called: Club foot; Clubfeet; congenital talipes equinovarus; CLUBFOOT, CONGENITAL, WITH OR WITHOUT DEFICIENCY OF LONG BONES AND/OR MIRROR-IMAGE POLYDACTYLY; Talipes equinovarus. Identifiers: Orphanet 199315, MedGen C0009081, MONDO:0007342, OMIM 119800, HP:0001762.

Submission:

Baylor Genetics
Classification: Likely pathogenic for Clubfoot. Last evaluated: 2018-07-19. Review status: criteria provided, single submitter. Criteria: ACMG Guidelines, 2015. Collection method: clinical testing. Allele origin: de novo. Affected: yes.
Comment: This variant was determined to be likely pathogenic according to ACMG Guidelines, 2015 [PMID:25741868].

NM_002653.5(PITX1):c.414G>T (p.Lys138Asn)

Gene: PITX1 (paired like homeodomain 1; minus strand). Cytogenetic location: 5q31.1.
Variant type: single nucleotide variant.
Coding change: c.414G>T on transcript NM_002653.5 (MANE Select); coding-DNA position 414, G replaced by T.
Protein change: p.Lys138Asn; replaces lysine 138 with asparagine.
Molecular consequence: missense variant.
Genome position (GRCh38, 1-based): chr5:135,029,310, C>A on the plus strand (G>T on the coding strand, the complement: PITX1 is on the minus strand). VCF-style: chr5-135029310-C-A. GRCh37 (hg19) VCF-style: chr5-134365000-C-A.
Other names: short protein forms K138N.
Identifiers: ClinVar variation 1033526 (VCV001033526.1), dbSNP rs1752408604, ClinGen allele CA361028323.